The following is an entry in ClinVar:

ClinVar aggregate classification (germline): Uncertain significance (1 of 4 stars; one submission).

Submission:

Ambry Genetics
Classification: Uncertain significance. Last evaluated: 2021-12-10. Review status: criteria provided, single submitter. Criteria: Ambry Variant Classification Scheme 2023. Collection method: clinical testing. Allele origin: germline.
Comment: The p.W608G variant (also known as c.1822T>G), located in coding exon 16 of the RAD54L gene, results from a T to G substitution at nucleotide position 1822. The tryptophan at codon 608 is replaced by glycine, an amino acid with highly dissimilar properties. This amino acid position is conserved. In addition, this alteration is predicted to be deleterious by in silico analysis. Since supporting evidence is limited at this time, the clinical significance of this alteration remains unclear.

NM_003579.4(RAD54L):c.1822T>G (p.Trp608Gly)

Gene: RAD54L (RAD54 like; plus strand). Cytogenetic location: 1p34.1.
Variant type: single nucleotide variant.
Coding change: c.1822T>G on transcript NM_003579.4 (MANE Select); coding-DNA position 1822, T replaced by G.
Protein change: p.Trp608Gly; replaces tryptophan 608 with glycine.
Molecular consequence: missense variant.
Genome position (GRCh38, 1-based): chr1:46,274,670, T>G. VCF-style: chr1-46274670-T-G. GRCh37 (hg19) VCF-style: chr1-46740342-T-G.
Other names: c.1822T>G, p.Trp608Gly (NM_001142548.2); c.1282T>G, p.Trp428Gly (NM_001370766.1); short protein forms W428G, W608G.
Identifiers: ClinVar variation 1780786 (VCV001780786.2), dbSNP rs2525718891, ClinGen allele CA340186182.